The following is an entry in ClinVar:

ClinVar aggregate classification (germline): Pathogenic. Review status: criteria provided, multiple submitters, no conflicts (2 of 4 stars). 2 submissions from 2 submitters: Pathogenic (2). Last evaluated 2025-12-24.

Conditions:
Tyrosinase-positive oculocutaneous albinism (OCA2). Also called: Oculocutaneous albinism type 2; ALBINISM II; Albinism, oculocutaneous, type II. Identifiers: Orphanet 79432, MedGen C0268495, MONDO:0008746, OMIM 203200.

Submissions (2):

Myriad Genetics, Inc.
Classification: Pathogenic for Tyrosinase-positive oculocutaneous albinism. Last evaluated: 2025-12-24. Review status: criteria provided, single submitter. Criteria: Myriad Autosomal Dominant, Autosomal Recessive and X-Linked Classification Criteria (2023). Collection method: clinical testing. Allele origin: unknown.
Comment: NM_000275.2(OCA2):c.274delT(S92Pfs*10) is expected to be pathogenic in the context of oculocutaneous albinism, OCA2-related. This variant is predicted to lead to an abnormal or absent protein product due to the creation of a premature termination codon in OCA2, a gene where loss-of-function variants are known to be pathogenic. Please note: this variant was assessed in the context of healthy population screening.

Labcorp Genetics (formerly Invitae), Labcorp
Classification: Pathogenic. Last evaluated: 2021-10-11. Review status: criteria provided, single submitter. Criteria: Invitae Variant Classification Sherloc (09022015). Collection method: clinical testing. Allele origin: germline.
Comment: For these reasons, this variant has been classified as Pathogenic. This variant has not been reported in the literature in individuals affected with OCA2-related conditions. This variant is present in population databases (rs778613495, ExAC 0.006%). This sequence change creates a premature translational stop signal (p.Ser92Profs*10) in the OCA2 gene. It is expected to result in an absent or disrupted protein product. Loss-of-function variants in OCA2 are known to be pathogenic (PMID: 19865097, 21541274).

Literature cited by the submitters: PubMed 19865097 (cited by Labcorp Genetics (formerly Invitae), Labcorp); PubMed 21541274 (cited by Labcorp Genetics (formerly Invitae), Labcorp).

NM_000275.3(OCA2):c.274del (p.Ser92fs)

Gene: OCA2 (OCA2 melanosomal transmembrane protein; minus strand). Cytogenetic location: 15q13.1.
Variant type: Deletion.
Coding change: c.274del on transcript NM_000275.3 (MANE Select); coding-DNA position 274, one base deleted (T; older notation c.274delT).
Protein change: p.Ser92fs; shifts the reading frame from serine 92.
Molecular consequence: frameshift variant.
Genome position (GRCh38, 1-based): chr15:28,032,117, A deleted on the plus strand (T on the coding strand, the reverse complement: OCA2 is on the minus strand); the first of 2 consecutive A bases (chr15:28,032,117-28,032,118); deleting either gives the same sequence. VCF-style (leftmost placement, unchanged base first): chr15-28032116-GA-G. GRCh37 (hg19) VCF-style: chr15-28277262-GA-G.
Other names: c.274del, p.Ser92fs (NM_001300984.2); short protein forms S92fs.
Identifiers: ClinVar variation 1454882 (VCV001454882.7), dbSNP rs778613495, ClinGen allele CA7439530.
Genomic context (GRCh38, chr15:28,032,116, plus strand): 5'-ATATCTCACCCTTTCTCCTGTAAGGAATTCCTCAGCAAAGGAGTGTTTTCTGTAAAGCAG[GA>G]ATCTTTAGACCTGGAGCTGGACATCTGGGGCAAAGAAGAGTGAGACCTGAAAGAGACAGG-3'